The following is an entry in ClinVar:

NM_000719.7(CACNA1C):c.4637T>C (p.Met1546Thr)

Genes: CACNA1C (calcium voltage-gated channel subunit alpha1 C; plus strand), CACNA1C-AS2 (CACNA1C antisense RNA 2; minus strand). Cytogenetic location: 12p13.33.
Variant type: single nucleotide variant.
Coding change: c.4637T>C on transcript NM_000719.7 (MANE Select); coding-DNA position 4637, T replaced by C.
Protein change: p.Met1546Thr; replaces methionine 1546 with threonine.
Molecular consequence: missense variant. On other transcripts: non-coding transcript variant (1).
Genome position (GRCh38, 1-based): chr12:2,668,946, T>C. VCF-style: chr12-2668946-T-C. GRCh37 (hg19) VCF-style: chr12-2778112-T-C.
Other names: c.4781T>C, p.Met1594Thr (NM_001129827.2, NM_199460.4); c.4703T>C, p.Met1568Thr (NM_001129829.2); c.4637T>C, p.Met1546Thr (NM_001129830.3, NM_001129833.2, NM_001129834.2 and 7 more transcripts); c.4721T>C, p.Met1574Thr (NM_001129831.2); c.4697T>C, p.Met1566Thr (NM_001129832.2); c.4688T>C, p.Met1563Thr (NM_001129836.2); c.4604T>C, p.Met1535Thr (NM_001129837.2, NM_001129838.2, NM_001129846.2 and 1 more transcripts); c.4598T>C, p.Met1533Thr (NM_001129839.2); and 1 more; short protein forms M1574T, M1533T, M1535T, M1546T, M1563T, M1543T, M1568T, M1594T.
Identifiers: ClinVar variation 934640 (VCV000934640.10), dbSNP rs2096394299, ClinGen allele CA383377061.

ClinVar aggregate classification (germline): Uncertain significance (1 of 4 stars; one submission).

Conditions:
Long QT syndrome (LQTS). Identifiers: MedGen C0023976, MeSH D008133, MONDO:0002442. Disease mechanism: loss of function. Inheritance: Various modes of inheritance.

Submission:

Labcorp Genetics (formerly Invitae), Labcorp
Classification: Uncertain significance for Long QT syndrome. Last evaluated: 2024-10-18. Review status: criteria provided, single submitter. Criteria: Invitae Variant Classification Sherloc (09022015). Collection method: clinical testing. Allele origin: germline.
Comment: This sequence change replaces methionine, which is neutral and non-polar, with threonine, which is neutral and polar, at codon 1546 of the CACNA1C protein (p.Met1546Thr). This variant is not present in population databases (gnomAD no frequency). This variant has not been reported in the literature in individuals affected with CACNA1C-related conditions. ClinVar contains an entry for this variant (Variation ID: 934640). Invitae Evidence Modeling of protein sequence and biophysical properties (such as structural, functional, and spatial information, amino acid conservation, physicochemical variation, residue mobility, and thermodynamic stability) indicates that this missense variant is expected to disrupt CACNA1C protein function with a positive predictive value of 95%. In summary, the available evidence is currently insufficient to determine the role of this variant in disease. Therefore, it has been classified as a Variant of Uncertain Significance.